The following is an entry in ClinVar:

NM_000143.4(FH):c.1016C>T (p.Ala339Val)

Gene: FH (fumarate hydratase; minus strand). Cytogenetic location: 1q43.
Variant type: single nucleotide variant.
Coding change: c.1016C>T on transcript NM_000143.4 (MANE Select); coding-DNA position 1016, C replaced by T.
Protein change: p.Ala339Val; replaces alanine 339 with valine.
Molecular consequence: missense variant.
Genome position (GRCh38, 1-based): chr1:241,504,134, G>A on the plus strand (C>T on the coding strand, the complement: FH is on the minus strand). VCF-style: chr1-241504134-G-A. GRCh37 (hg19) VCF-style: chr1-241667434-G-A.
Other names: short protein forms A339V.
Identifiers: ClinVar variation 1383719 (VCV001383719.15), dbSNP rs1659852423, ClinGen allele CA345438212.
Genomic context (GRCh38, chr1:241,504,134, plus strand): 5'-GGCAAGATCAATTCTCCCAGACCTGACCGAGGACCAGAACCCAAAAATCGAATATCATTT[G>A]CTATCTTCATCAGACTGCAGGCAGTAGTGTTCATGGCTCCACTGAGCTCAACCAGAGCGT-3'
Protein context (NP_000134.2, residues 329-349): NTTACSLMKI[Ala339Val]NDIRFLGSGP

ClinVar aggregate classification (germline): Conflicting classifications of pathogenicity. Review status: criteria provided, conflicting classifications (1 of 4 stars). 4 submissions from 4 submitters: Likely pathogenic (1); Uncertain significance (3). Last evaluated 2025-04-18.

Conditions:
Ovarian cancer. Also called: OVARIAN CANCER, SOMATIC. Identifiers: Orphanet 213500, MedGen C1140680, MONDO:0008170, OMIM 167000.
Hereditary cancer-predisposing syndrome. Also called: Neoplastic Syndromes, Hereditary; Hereditary Cancer Syndrome; Tumor predisposition; Hereditary neoplastic syndrome. Identifiers: Orphanet 140162, MedGen C0027672, MeSH D009386, MONDO:0015356.

Allele frequency attached by ClinVar (database versions not stated): TOPMed below 0.00001; gnomAD exomes below 0.00001.
gnomAD v4.1: 5 of 1,614,200 alleles (0.00031%); highest among the groups gnomAD compares: Non-Finnish European, 0.00034%; no homozygotes.

Submissions (4):

GeneDx
Classification: Uncertain significance. Last evaluated: 2025-04-18. Review status: criteria provided, single submitter. Criteria: GeneDx Variant Classification Process June 2021. Collection method: clinical testing. Allele origin: germline.
Comment: Not observed at significant frequency in large population cohorts (gnomAD); In silico analysis supports that this missense variant has a deleterious effect on protein structure/function; Has not been previously published as pathogenic or benign to our knowledge

Ambry Genetics
Classification: Uncertain significance for Hereditary cancer-predisposing syndrome. Last evaluated: 2025-04-15. Review status: criteria provided, single submitter. Criteria: Ambry Variant Classification Scheme 2023. Collection method: clinical testing. Allele origin: germline.
Comment: The p.A339V variant (also known as c.1016C>T), located in coding exon 7 of the FH gene, results from a C to T substitution at nucleotide position 1016. The alanine at codon 339 is replaced by valine, an amino acid with similar properties. This amino acid position is highly conserved in available vertebrate species. In addition, this alteration is predicted to be deleterious by in silico analysis. Since supporting evidence is limited at this time, the clinical significance of this alteration remains unclear.

Labcorp Genetics (formerly Invitae), Labcorp
Classification: Uncertain significance. Last evaluated: 2025-04-14. Review status: criteria provided, single submitter. Criteria: Invitae Variant Classification Sherloc (09022015). Collection method: clinical testing. Allele origin: germline.
Comment: This sequence change replaces alanine, which is neutral and non-polar, with valine, which is neutral and non-polar, at codon 339 of the FH protein (p.Ala339Val). This variant is not present in population databases (gnomAD no frequency). This variant has not been reported in the literature in individuals affected with FH-related conditions. ClinVar contains an entry for this variant (Variation ID: 1383719). Invitae Evidence Modeling of protein sequence and biophysical properties (such as structural, functional, and spatial information, amino acid conservation, physicochemical variation, residue mobility, and thermodynamic stability) indicates that this missense variant is expected to disrupt FH protein function with a positive predictive value of 95%. In summary, the available evidence is currently insufficient to determine the role of this variant in disease. Therefore, it has been classified as a Variant of Uncertain Significance.

Laboratory of Molecular Epidemiology of Birth Defects, West China Second University Hospital, Sichuan University
Classification: Likely pathogenic for Ovarian cancer. Last evaluated: 2022-01-01. Review status: criteria provided, single submitter. Criteria: ACMG Guidelines, 2015. Collection method: clinical testing. Allele origin: germline. Affected: yes.